The following is an entry in ClinVar:

NM_014806.5(RUSC2):c.286G>A (p.Ala96Thr)

Gene: RUSC2 (RUN and SH3 domain containing 2; plus strand). Cytogenetic location: 9p13.3.
Variant type: single nucleotide variant.
Coding change: c.286G>A on transcript NM_014806.5 (MANE Select); coding-DNA position 286, G replaced by A.
Protein change: p.Ala96Thr; replaces alanine 96 with threonine.
Molecular consequence: missense variant. On other transcripts: non-coding transcript variant (1), intron variant (1).
Genome position (GRCh38, 1-based): chr9:35,546,807, G>A. VCF-style: chr9-35546807-G-A. GRCh37 (hg19) VCF-style: chr9-35546804-G-A.
Other names: c.286G>A, p.Ala96Thr (NM_001135999.2); c.-620-8253G>A (NM_001330740.2); c.286G>A (NM_001135999.1); short protein forms A96T.
Identifiers: ClinVar variation 1461547 (VCV001461547.7), dbSNP rs140531019, ClinGen allele CA5043437.
Genomic context (GRCh38, chr9:35,546,807, plus strand): 5'-GGAACTGCACGGTCTATAGACAGCACCAAGAGTAGGAGTCGGGATGGAAGAGGCCCTGGA[G>A]CCCCCAAACGACACAACCCCTTCTTGCTGCAGGAGGGTGTGGGTGAGCCAGGACTTGGTG-3'
Protein context (NP_055621.2, residues 86-106): SRSRDGRGPG[Ala96Thr]PKRHNPFLLQ

ClinVar aggregate classification (germline): Uncertain significance. Review status: criteria provided, multiple submitters, no conflicts (2 of 4 stars). 2 submissions from 2 submitters: Uncertain significance (2). Last evaluated 2025-04-29.

Allele frequency attached by ClinVar (database versions not stated): gnomAD exomes 0.00001 and 0.00002; ESP Exome Variant Server 0.00015; ExAC 0.00005; TOPMed 0.00009; gnomAD 0.00011.
gnomAD v4.1: 29 of 1,611,590 alleles (0.0018%); highest among the groups gnomAD compares: African/African-American, 0.035%; no homozygotes.

Submissions (2):

Ambry Genetics
Classification: Uncertain significance. Last evaluated: 2025-04-29. Review status: criteria provided, single submitter. Criteria: Ambry Variant Classification Scheme 2023. Collection method: clinical testing. Allele origin: germline.

Labcorp Genetics (formerly Invitae), Labcorp
Classification: Uncertain significance. Last evaluated: 2022-09-17. Review status: criteria provided, single submitter. Criteria: Invitae Variant Classification Sherloc (09022015). Collection method: clinical testing. Allele origin: germline.
Comment: This sequence change replaces alanine, which is neutral and non-polar, with threonine, which is neutral and polar, at codon 96 of the RUSC2 protein (p.Ala96Thr). This variant is present in population databases (rs140531019, gnomAD 0.02%). This variant has not been reported in the literature in individuals affected with RUSC2-related conditions. ClinVar contains an entry for this variant (Variation ID: 1461547). Algorithms developed to predict the effect of missense changes on protein structure and function (SIFT, PolyPhen-2, Align-GVGD) all suggest that this variant is likely to be tolerated. In summary, the available evidence is currently insufficient to determine the role of this variant in disease. Therefore, it has been classified as a Variant of Uncertain Significance.